The following is an entry in ClinVar:

ClinVar aggregate classification (germline): Uncertain significance. Review status: criteria provided, multiple submitters, no conflicts (2 of 4 stars). 2 submissions from 2 submitters: Uncertain significance (2). Last evaluated 2026-03-18.

Conditions:
TRRAP-related disorder. Also called: TRRAP-related condition.

Allele frequency attached by ClinVar (database versions not stated): TOPMed below 0.00001; gnomAD 0.00002; 1000 Genomes Project 30x 0.00016; 1000 Genomes Project 0.00020.
gnomAD v4.1: 13 of 1,614,204 alleles (0.00081%); highest among the groups gnomAD compares: South Asian, 0.0022%; no homozygotes.

Submissions (2):

PreventionGenetics, part of Exact Sciences
Classification: Uncertain significance for TRRAP-related condition. Last evaluated: 2026-03-18. Review status: criteria provided, single submitter. Criteria: ACMG Guidelines, 2015. Collection method: clinical testing. Allele origin: germline.
Comment: The TRRAP c.10075G>A variant is predicted to result in the amino acid substitution p.Val3359Ile. To our knowledge, this variant has not been reported in the literature. This variant is reported in 0.0062% of alleles in individuals of African descent in gnomAD. At this time, the clinical significance of this variant is uncertain due to the absence of conclusive functional and genetic evidence.

Labcorp Genetics (formerly Invitae), Labcorp
Classification: Uncertain significance. Last evaluated: 2025-04-17. Review status: criteria provided, single submitter. Criteria: Invitae Variant Classification Sherloc (09022015). Collection method: clinical testing. Allele origin: germline.
Comment: This sequence change replaces valine, which is neutral and non-polar, with isoleucine, which is neutral and non-polar, at codon 3359 of the TRRAP protein (p.Val3359Ile). This variant is present in population databases (rs545487361, gnomAD 0.007%). This variant has not been reported in the literature in individuals affected with TRRAP-related conditions. ClinVar contains an entry for this variant (Variation ID: 2912311). Invitae Evidence Modeling of protein sequence and biophysical properties (such as structural, functional, and spatial information, amino acid conservation, physicochemical variation, residue mobility, and thermodynamic stability) indicates that this missense variant is not expected to disrupt TRRAP protein function with a negative predictive value of 80%. In summary, the available evidence is currently insufficient to determine the role of this variant in disease. Therefore, it has been classified as a Variant of Uncertain Significance.

NM_001375524.1(TRRAP):c.10204G>A (p.Val3402Ile)

Gene: TRRAP (transformation/transcription domain associated protein; plus strand). Cytogenetic location: 7q22.1.
Variant type: single nucleotide variant.
Coding change: c.10204G>A on transcript NM_001375524.1 (MANE Select); coding-DNA position 10204, G replaced by A.
Protein change: p.Val3402Ile; replaces valine 3402 with isoleucine.
Molecular consequence: missense variant.
Genome position (GRCh38, 1-based): chr7:98,994,743, G>A. VCF-style: chr7-98994743-G-A. GRCh37 (hg19) VCF-style: chr7-98592366-G-A.
Other names: c.10162G>A, p.Val3388Ile (NM_001244580.2); c.10075G>A (NM_003496.3); c.10075G>A, p.Val3359Ile (NM_003496.4); short protein forms V3359I, V3388I, V3402I.
Identifiers: ClinVar variation 2912311 (VCV002912311.4), dbSNP rs545487361, ClinGen allele CA4361876.